The following is an entry in ClinVar:

ClinVar aggregate classification (germline): Likely pathogenic (1 of 4 stars; one submission).

Conditions:
Mendelian susceptibility to mycobacterial diseases due to complete IL12RB1 deficiency. Also called: IL12RB1 DEFICIENCY; Immunodeficiency 30. Identifiers: Orphanet 319552, MedGen C4013949, MONDO:0013955, OMIM 614891.

Submission:

Labcorp Genetics (formerly Invitae), Labcorp
Classification: Likely pathogenic for Mendelian susceptibility to mycobacterial diseases due to complete IL12RB1 deficiency. Last evaluated: 2019-06-29. Review status: criteria provided, single submitter. Criteria: Invitae Variant Classification Sherloc (09022015). Collection method: clinical testing. Allele origin: germline.
Comment: Donor and acceptor splice site variants typically lead to a loss of protein function (PMID: 16199547), and loss-of-function variants in IL12RB1 are known to be pathogenic (PMID: 9603733, 12591909). In summary, the currently available evidence indicates that the variant is pathogenic, but additional data are needed to prove that conclusively. Therefore, this variant has been classified as Likely Pathogenic. Algorithms developed to predict the effect of sequence changes on RNA splicing suggest that this variant may disrupt the consensus splice site, but this prediction has not been confirmed by published transcriptional studies. This sequence change affects a donor splice site in intron 2 of the IL12RB1 gene. It is expected to disrupt RNA splicing and likely results in an absent or disrupted protein product. This variant is not present in population databases (ExAC no frequency). This variant has not been reported in the literature in individuals with IL12RB1-related conditions.

Literature cited by the submitters: PubMed 16199547; PubMed 9603733; PubMed 12591909.

NM_005535.3(IL12RB1):c.124+1G>T

Gene: IL12RB1 (interleukin 12 receptor subunit beta 1; minus strand). Cytogenetic location: 19p13.11.
Variant type: single nucleotide variant.
Coding change: c.124+1G>T on transcript NM_005535.3 (MANE Select); the canonical splice donor site of the intron after coding-DNA position 124, G replaced by T.
Molecular consequence: splice donor variant.
Genome position (GRCh38, 1-based): chr19:18,083,431, C>A on the plus strand (G>T on the coding strand, the complement: IL12RB1 is on the minus strand). VCF-style: chr19-18083431-C-A. GRCh37 (hg19) VCF-style: chr19-18194241-C-A.
Other names: c.244+1G>T (NM_001290024.2, NM_001440427.1, NM_001440426.1); c.124+1G>T (NM_001290023.2, NM_001440425.1, NM_001440424.1 and 1 more transcripts).
Identifiers: ClinVar variation 950360 (VCV000950360.8), dbSNP rs2036054113, ClinGen allele CA404790475.